The following is an entry in ClinVar:

ClinVar aggregate classification (germline): Uncertain significance (1 of 4 stars; one submission).

Conditions:
Severe combined immunodeficiency due to DNA-PKcs deficiency. Also called: Immunodeficiency 26 with or without neurologic abnormalities; IMMUNODEFICIENCY 26 WITH NEUROLOGIC ABNORMALITIES. Identifiers: Orphanet 317425, MedGen C4014833, MONDO:0014423, OMIM 615966.

Submission:

Labcorp Genetics (formerly Invitae), Labcorp
Classification: Uncertain significance for Severe combined immunodeficiency due to DNA-PKcs deficiency. Last evaluated: 2022-08-16. Review status: criteria provided, single submitter. Criteria: Invitae Variant Classification Sherloc (09022015). Collection method: clinical testing. Allele origin: germline.
Comment: In summary, the available evidence is currently insufficient to determine the role of this variant in disease. Therefore, it has been classified as a Variant of Uncertain Significance. Experimental studies and prediction algorithms are not available or were not evaluated, and the functional significance of this variant is currently unknown. This variant has not been reported in the literature in individuals affected with PRKDC-related conditions. This variant is not present in population databases (gnomAD no frequency). This sequence change replaces threonine, which is neutral and polar, with isoleucine, which is neutral and non-polar, at codon 3016 of the PRKDC protein (p.Thr3016Ile).

NM_006904.7(PRKDC):c.9047C>T (p.Thr3016Ile)

Gene: PRKDC (protein kinase, DNA-activated, catalytic subunit; minus strand). Cytogenetic location: 8q11.21.
Variant type: single nucleotide variant.
Coding change: c.9047C>T on transcript NM_006904.7 (MANE Select); coding-DNA position 9047, C replaced by T.
Protein change: p.Thr3016Ile; replaces threonine 3016 with isoleucine.
Molecular consequence: missense variant.
Genome position (GRCh38, 1-based): chr8:47,821,668, G>A on the plus strand (C>T on the coding strand, the complement: PRKDC is on the minus strand). VCF-style: chr8-47821668-G-A. GRCh37 (hg19) VCF-style: chr8-48734229-G-A.
Other names: c.9047C>T, p.Thr3016Ile (NM_001081640.2); short protein forms T3016I.
Identifiers: ClinVar variation 2101858 (VCV002101858.4), dbSNP rs2551865563, ClinGen allele CA371140488.
Genomic context (GRCh38, chr8:47,821,668, plus strand): 5'-TAAAATGGTTCACTCCAGATTTTATTTAGGTCTGGGGGGTTCTCACTGTCTATACTGGCT[G>A]TAGAACAGTATTCAAGTGATTTCCACTCAGCAAGGTGGTTGTAACAGTCAAGGGATGCAA-3'
Protein context (NP_008835.5, residues 3006-3026): AEWKSLEYCS[Thr3016Ile]ASIDSENPPD